The following is an entry in ClinVar:

NM_182961.4(SYNE1):c.6724-244del

Genes: SYNE1 (spectrin repeat containing nuclear envelope protein 1; minus strand), SYNE1-AS2 (SYNE1 antisense RNA 2; plus strand). Cytogenetic location: 6q25.2.
Variant type: Deletion.
Coding change: c.6724-244del on transcript NM_182961.4 (MANE Select); 244 bases into the intron before coding-DNA position 6724, one base deleted (T; older notation c.6724-244delT).
Molecular consequence: intron variant.
Genome position (GRCh38, 1-based): chr6:152,404,558, A deleted on the plus strand (T on the coding strand, the reverse complement: SYNE1 is on the minus strand); the first of 9 consecutive A bases (chr6:152,404,558-152,404,566); deleting any one gives the same sequence. VCF-style (leftmost placement, unchanged base first): chr6-152404557-GA-G. GRCh37 (hg19) VCF-style: chr6-152725692-GA-G.
Other names: c.6745-244del (NM_033071.5).
Identifiers: ClinVar variation 683924 (VCV000683924.1), dbSNP rs11300425, ClinGen allele CA150200112.

ClinVar aggregate classification (germline): Benign (1 of 4 stars; one submission).

Submission:

GeneDx
Classification: Benign. Last evaluated: 2018-06-19. Review status: criteria provided, single submitter. Criteria: GeneDx Variant Classification (06012015). Collection method: clinical testing. Allele origin: germline. Affected: yes.
Comment: This variant is considered likely benign or benign based on one or more of the following criteria: it is a conservative change, it occurs at a poorly conserved position in the protein, it is predicted to be benign by multiple in silico algorithms, and/or has population frequency not consistent with disease.